The following is an entry in ClinVar:

Conditions:
Breast-ovarian cancer, familial, susceptibility to, 1 (BROVCA1). Also called: BRCA1 Hereditary Breast and Ovarian Cancer; OVARIAN CANCER, SUSCEPTIBILITY TO. Identifiers: Orphanet 145, MedGen C2676676, MONDO:0011450, OMIM 604370. Disease mechanism: loss of function.

Submission:

Brotman Baty Institute, University of Washington
No classification provided (evidence only). Condition: Breast-ovarian cancer, familial 1. Review status: no classification provided. Collection method: in vitro. Allele origin: not applicable. Functional consequence: functionally_normal.
ClinVar note: "not provided" was previously submitted as the classification for the variant. However, the classification appeared to be based only on an observation of functional data so it was converted to no classification on 2025-07-30.

NM_007294.4(BRCA1):c.5463C>G (p.Phe1821Leu)

Gene: BRCA1 (BRCA1 DNA repair associated; minus strand). Cytogenetic location: 17q21.31.
Variant type: single nucleotide variant.
Coding change: c.5463C>G on transcript NM_007294.4 (MANE Select); coding-DNA position 5463, C replaced by G.
Protein change: p.Phe1821Leu; replaces phenylalanine 1821 with leucine.
Molecular consequence: missense variant. On other transcripts: non-coding transcript variant (1).
Genome position (GRCh38, 1-based): chr17:43,047,647, G>C on the plus strand (C>G on the coding strand, the complement: BRCA1 is on the minus strand). VCF-style: chr17-43047647-G-C. GRCh37 (hg19) VCF-style: chr17-41199664-G-C.
Other names: c.5263C>G, p.Pro1755Ala (NM_001407939.1, NM_001407940.1); c.5260C>G, p.Pro1754Ala (NM_001407941.1); c.5248C>G, p.Pro1750Ala (NM_001407942.1); c.5245C>G, p.Pro1749Ala (NM_001407943.1, NM_001407944.1, NM_001407945.1); c.5130C>G, p.Phe1710Leu (NM_001407946.1, NM_001407947.1, NM_001407948.1 and 1 more transcripts); c.5334C>G, p.Phe1778Leu (NM_001407683.1, NM_001407684.1, NM_001407685.1 and 6 more transcripts); c.5331C>G, p.Phe1777Leu (NM_001407690.1, NM_001407691.1); c.5322C>G, p.Phe1774Leu (NM_001407692.1, NM_001407728.1, NM_001407729.1 and 12 more transcripts); and 83 more; short protein forms F1842L, F1774L, F1821L, P693A, F717L, F1524L, F1693L, F1708L.
Identifiers: ClinVar variation 868110 (VCV000868110.3), dbSNP rs2050977262, ClinGen allele CA10590435.